The following is an entry in ClinVar:

NM_001243925.2(MAPKAPK3):c.1070C>G (p.Ser357Cys)

Gene: MAPKAPK3 (MAPK activated protein kinase 3; plus strand). Cytogenetic location: 3p21.2.
Variant type: single nucleotide variant.
Coding change: c.1070C>G on transcript NM_001243925.2 (MANE Select); coding-DNA position 1070, C replaced by G.
Protein change: p.Ser357Cys; replaces serine 357 with cysteine.
Molecular consequence: missense variant.
Genome position (GRCh38, 1-based): chr3:50,647,967, C>G. VCF-style: chr3-50647967-C-G. GRCh37 (hg19) VCF-style: chr3-50685398-C-G.
Other names: c.1070C>G, p.Ser357Cys (NM_001243926.2, NM_004635.5); short protein forms S357C.
Identifiers: ClinVar variation 943748 (VCV000943748.6), dbSNP rs2033345821, ClinGen allele CA352940551.

ClinVar aggregate classification (germline): Uncertain significance (1 of 4 stars; one submission).

Submission:

Labcorp Genetics (formerly Invitae), Labcorp
Classification: Uncertain significance. Last evaluated: 2019-09-28. Review status: criteria provided, single submitter. Criteria: Invitae Variant Classification Sherloc (09022015). Collection method: clinical testing. Allele origin: germline.
Comment: This variant is not present in population databases (ExAC no frequency). This sequence change replaces serine with cysteine at codon 357 of the MAPKAPK3 protein (p.Ser357Cys). The serine residue is highly conserved and there is a moderate physicochemical difference between serine and cysteine. This variant has not been reported in the literature in individuals with MAPKAPK3-related conditions. In summary, the available evidence is currently insufficient to determine the role of this variant in disease. Therefore, it has been classified as a Variant of Uncertain Significance. Algorithms developed to predict the effect of missense changes on protein structure and function are either unavailable or do not agree on the potential impact of this missense change (SIFT: "Deleterious"; PolyPhen-2: "Probably Damaging"; Align-GVGD: "Class C0").